The following is an entry in ClinVar:

NM_005629.4(SLC6A8):c.318C>T (p.Phe106=)

Gene: SLC6A8 (solute carrier family 6 member 8; plus strand). Cytogenetic location: Xq28.
Variant type: single nucleotide variant.
Coding change: c.318C>T on transcript NM_005629.4 (MANE Select); coding-DNA position 318, C replaced by T.
Protein change: p.Phe106=; no amino-acid change (phenylalanine 106 retained).
Molecular consequence: synonymous variant. On other transcripts: 5 prime UTR variant (1).
Genome position (GRCh38, 1-based): chrX:153,690,430, C>T. VCF-style: chrX-153690430-C-T. GRCh37 (hg19) VCF-style: chrX-152955885-C-T.
Other names: c.318C>T, p.Phe106= (NM_001142805.2); c.-28C>T (NM_001142806.1).
Identifiers: ClinVar variation 588958 (VCV000588958.7), dbSNP rs1569539245, ClinGen allele CA519184815.

ClinVar aggregate classification (germline): Likely benign. Review status: criteria provided, single submitter (1 of 4 stars). 2 submissions from 2 submitters: Likely benign (1). 1 of the submissions does not count toward it. Last evaluated 2017-04-14.

Conditions:
Inborn genetic diseases. Identifiers: MedGen C0950123, MeSH D030342.
SLC6A8-related disorder. Also called: SLC6A8-related condition.

Submissions (2):

Ambry Genetics
Classification: Likely benign for Inborn genetic diseases. Last evaluated: 2017-04-14. Review status: criteria provided, single submitter. Criteria: Ambry Variant Classification Scheme 2023. Collection method: clinical testing. Allele origin: germline.

PreventionGenetics, part of Exact Sciences
Classification: Likely benign for SLC6A8-related condition. Last evaluated: 2019-03-20. Review status: no assertion criteria provided. Collection method: clinical testing. Allele origin: germline. Not counted in ClinVar's aggregate classification.
Comment: This variant is classified as likely benign based on ACMG/AMP sequence variant interpretation guidelines (Richards et al. 2015 PMID: 25741868, with internal and published modifications).